The following is an entry in ClinVar:

NM_000245.4(MET):c.1420A>G (p.Thr474Ala)

Gene: MET (MET proto-oncogene, receptor tyrosine kinase; plus strand). Cytogenetic location: 7q31.2.
Variant type: single nucleotide variant.
Coding change: c.1420A>G on transcript NM_000245.4 (MANE Select); coding-DNA position 1420, A replaced by G.
Protein change: p.Thr474Ala; replaces threonine 474 with alanine.
Molecular consequence: missense variant.
Genome position (GRCh38, 1-based): chr7:116,739,977, A>G. VCF-style: chr7-116739977-A-G. GRCh37 (hg19) VCF-style: chr7-116380031-A-G.
Other names: c.1420A>G (NM_001127500.1); c.1420A>G, p.Thr474Ala (NM_001127500.3, NM_001324401.3); c.130A>G, p.Thr44Ala (NM_001324402.2); short protein forms T44A, T474A.
Identifiers: ClinVar variation 1449389 (VCV001449389.9), dbSNP rs1793379665, ClinGen allele CA368974054.

ClinVar aggregate classification (germline): Conflicting classifications of pathogenicity. Review status: criteria provided, conflicting classifications (1 of 4 stars). 2 submissions from 2 submitters: Uncertain significance (1); Likely benign (1). Last evaluated 2025-01-25.

Conditions:
Renal cell carcinoma. Identifiers: Orphanet 217071, MedGen C0007134, MeSH D002292, MONDO:0005086, HP:0005584.
Hereditary cancer-predisposing syndrome. Also called: Hereditary Cancer Syndrome; Hereditary neoplastic syndrome; Neoplastic Syndromes, Hereditary; Tumor predisposition. Identifiers: Orphanet 140162, MedGen C0027672, MeSH D009386, MONDO:0015356.

Allele frequency attached by ClinVar (database versions not stated): gnomAD exomes below 0.00001.
gnomAD v4.1: 1 of 1,613,964 alleles (0.000062%); highest among the groups gnomAD compares: Non-Finnish European, 0.000085%; no homozygotes.

Submissions (2):

Ambry Genetics
Classification: Likely benign for Hereditary cancer-predisposing syndrome. Last evaluated: 2025-01-25. Review status: criteria provided, single submitter. Criteria: Ambry Variant Classification Scheme 2023. Collection method: clinical testing. Allele origin: germline.

Labcorp Genetics (formerly Invitae), Labcorp
Classification: Uncertain significance for Renal cell carcinoma. Last evaluated: 2024-10-18. Review status: criteria provided, single submitter. Criteria: Invitae Variant Classification Sherloc (09022015). Collection method: clinical testing. Allele origin: germline.
Comment: This sequence change replaces threonine, which is neutral and polar, with alanine, which is neutral and non-polar, at codon 474 of the MET protein (p.Thr474Ala). This variant is not present in population databases (gnomAD no frequency). This missense change has been observed in individual(s) with breast cancer (PMID: 35980532). ClinVar contains an entry for this variant (Variation ID: 1449389). An algorithm developed to predict the effect of missense changes on protein structure and function outputs the following: PolyPhen-2: "Benign". The alanine amino acid residue is found in multiple mammalian species, which suggests that this missense change does not adversely affect protein function. In summary, the available evidence is currently insufficient to determine the role of this variant in disease. Therefore, it has been classified as a Variant of Uncertain Significance.

Literature cited by the submitters: PubMed 35980532 (cited by Labcorp Genetics (formerly Invitae), Labcorp).